The following is an entry in ClinVar:

NM_007200.5(AKAP13):c.1932C>T (p.Ser644=)

Gene: AKAP13 (A-kinase anchoring protein 13; plus strand). Cytogenetic location: 15q25.3.
Variant type: single nucleotide variant.
Coding change: c.1932C>T on transcript NM_007200.5 (MANE Select); coding-DNA position 1932, C replaced by T.
Protein change: p.Ser644=; no amino-acid change (serine 644 retained).
Molecular consequence: synonymous variant.
Genome position (GRCh38, 1-based): chr15:85,580,000, C>T. VCF-style: chr15-85580000-C-T. GRCh37 (hg19) VCF-style: chr15-86123231-C-T.
Other names: c.1932C>T, p.Ser644= (NM_006738.6).
Identifiers: ClinVar variation 2645653 (VCV002645653.24), dbSNP rs113595243, ClinGen allele CA7712501.
Genomic context (GRCh38, chr15:85,580,000, plus strand): 5'-GCTGGAAGAAGATGTAATGCCACACCAGAACTCAGAAACAAATTCATCTCATGCTCAAAG[C>T]CAAAAGGGCAAATCCTCACCCATTTGTTCTACAACTGGAGACGATAAACTTTGTGCAGAC-3'
Protein context (NP_009131.2, residues 634-654): NSETNSSHAQ[Ser644=]QKGKSSPICS

ClinVar aggregate classification (germline): Likely benign (1 of 4 stars; one submission).

Allele frequency attached by ClinVar (database versions not stated): ExAC 0.00162; ESP Exome Variant Server 0.00162; TOPMed 0.00167; gnomAD 0.00180; gnomAD exomes 0.00215.
gnomAD v4.1: 3,412 of 1,614,038 alleles (0.21%); highest among the groups gnomAD compares: Non-Finnish European, 0.24%; 11 homozygotes.

Submission:

CeGaT Center for Human Genetics Tuebingen
Classification: Likely benign. Last evaluated: 2022-07-01. Review status: criteria provided, single submitter. Criteria: CeGaT Center For Human Genetics Tuebingen Variant Classification Criteria Version 2. Collection method: clinical testing. Allele origin: germline. Affected: yes. Observed: 1 variant allele.
Comment: AKAP13: BP4, BP7